The following is an entry in ClinVar:

ClinVar aggregate classification (germline): Uncertain significance (1 of 4 stars; one submission).

Conditions:
Combined oxidative phosphorylation deficiency 34 (COXPD34). Also called: Syndromic sensorineural deafness due to combined oxidative phosphorylation defect. Identifiers: Orphanet 457223, MedGen C4693450, MONDO:0054741, OMIM 617872.

Allele frequency attached by ClinVar (database versions not stated): gnomAD exomes below 0.00001 and 0.00001; gnomAD 0.00001; ExAC 0.00002; TOPMed 0.00003; ESP Exome Variant Server 0.00015.
gnomAD v4.1: 13 of 1,613,520 alleles (0.00081%); highest among the groups gnomAD compares: African/African-American, 0.015%; no homozygotes.

Submission:

Baylor Genetics
Classification: Uncertain significance for Combined oxidative phosphorylation deficiency 34. Last evaluated: 2020-05-05. Review status: criteria provided, single submitter. Criteria: ACMG Guidelines, 2015. Collection method: clinical testing. Allele origin: unknown. Affected: yes.
Comment: This variant was determined to be of uncertain significance according to ACMG Guidelines, 2015 [PMID:25741868].

NM_015971.4(MRPS7):c.508-1G>A

Gene: MRPS7 (mitochondrial ribosomal protein S7; plus strand). Cytogenetic location: 17q25.1.
Variant type: single nucleotide variant.
Coding change: c.508-1G>A on transcript NM_015971.4 (MANE Select); the canonical splice acceptor site of the intron before coding-DNA position 508, G replaced by A.
Molecular consequence: splice acceptor variant.
Genome position (GRCh38, 1-based): chr17:75,265,701, G>A. VCF-style: chr17-75265701-G-A. GRCh37 (hg19) VCF-style: chr17-73261782-G-A.
Identifiers: ClinVar variation 1029419 (VCV001029419.1), dbSNP rs372546274, ClinGen allele CA8760427.